The following is an entry in ClinVar:

ClinVar aggregate classification (germline): Benign. Review status: criteria provided, multiple submitters, no conflicts (2 of 4 stars). 9 submissions from 8 submitters: Benign (9). Last evaluated 2025-07-10.

Conditions:
Hereditary cancer-predisposing syndrome. Also called: Neoplastic Syndromes, Hereditary; Hereditary neoplastic syndrome; Hereditary Cancer Syndrome; Tumor predisposition. Identifiers: Orphanet 140162, MedGen C0027672, MeSH D009386, MONDO:0015356.
Hereditary breast ovarian cancer syndrome. Also called: Hereditary breast and ovarian cancer; Hereditary breast and ovarian cancer syndrome; Hereditary breast and/or ovarian cancer syndrome; BRCA1- and BRCA2-Associated Hereditary Breast and Ovarian Cancer; Hereditary breast and ovarian cancer syndrome (HBOC); Breast and ovarian cancer. Identifiers: Orphanet 145, MedGen C0677776, MeSH D061325, MONDO:0003582. Disease mechanism: loss of function.
Acute lymphoid leukemia (ALL). Also called: Leukemia, acute lymphoblastic, somatic; Lymphoblastic leukemia; Acute lymphoblastic leukemia; Acute lymphocytic leukemia. Identifiers: Orphanet 513, MedGen C0023449, MONDO:0004967, OMIM 613065, HP:0006721.
Microcephaly, normal intelligence and immunodeficiency (NBS). Also called: BERLIN BREAKAGE SYNDROME; Ataxia telangiectasia variant V1; Nijmegen breakage syndrome; Microcephaly with normal intelligence immunodeficiency and lymphoreticular malignancies; Nonsyndromal microcephaly autosomal recessive with normal intelligence; Seemanova syndrome 2. Identifiers: Orphanet 647, MedGen C0398791, MONDO:0009623, OMIM 251260.

Allele frequency attached by ClinVar (database versions not stated): ESP Exome Variant Server 0.31393; gnomAD 0.32860 and 0.33395; TOPMed 0.32964; gnomAD exomes 0.33418 and 0.35387; ExAC 0.35346; 1000 Genomes Project 30x 0.37180; 1000 Genomes Project 0.37919.
gnomAD v4.1: 530,489 of 1,586,096 alleles (33%); highest among the groups gnomAD compares: East Asian, 48%; 90,482 homozygotes.

Submissions (9):

GeneKor MSA
Classification: Benign for Hereditary cancer-predisposing syndrome. Last evaluated: 2025-07-10. Review status: criteria provided, single submitter. Criteria: ACMG Guidelines, 2015. Collection method: clinical testing. Allele origin: germline.

KCCC/NGS Laboratory, Kuwait Cancer Control Center
Classification: Benign for Microcephaly, normal intelligence and immunodeficiency. Last evaluated: 2025-02-01. Review status: criteria provided, single submitter. Criteria: ACMG Guidelines, 2015. Collection method: clinical testing. Allele origin: germline. Affected: no.

Unidad de Genómica Garrahan, Hospital de Pediatría Garrahan
Classification: Benign. Last evaluated: 2024-01-24. Review status: criteria provided, single submitter. Criteria: ACMG Guidelines, 2015. Collection method: clinical testing. Allele origin: germline. Affected: no. Observed: 60 variant alleles.
Comment: This variant is classified as Benign based on local population frequency. This variant was detected in 63% of patients studied by a panel of primary immunodeficiencies. Number of patients: 60. Only high quality variants are reported.

KCCC/NGS Laboratory, Kuwait Cancer Control Center
Classification: Benign for Acute lymphoid leukemia. Last evaluated: 2023-07-07. Review status: criteria provided, single submitter. Criteria: ACMG Guidelines, 2015. Collection method: clinical testing. Allele origin: germline. Affected: yes.

National Health Laboratory Service, Universitas Academic Hospital and University of the Free State
Classification: Benign for Hereditary breast ovarian cancer syndrome. Last evaluated: 2022-04-19. Review status: criteria provided, single submitter. Criteria: ACMG Guidelines, 2015. Collection method: clinical testing. Allele origin: germline. Affected: yes. Observed: 173 variant alleles.

Genome-Nilou Lab
Classification: Benign for Microcephaly, normal intelligence and immunodeficiency. Last evaluated: 2021-07-01. Review status: criteria provided, single submitter. Criteria: ACMG Guidelines, 2015. Collection method: clinical testing. Allele origin: germline. Affected: no.

GeneDx
Classification: Benign. Last evaluated: 2015-03-03. Review status: criteria provided, single submitter. Criteria: GeneDx Variant Classification Process June 2021. Collection method: clinical testing. Allele origin: germline. Affected: yes.

Breakthrough Genomics
Classification: Benign. Review status: criteria provided, single submitter. Criteria: ACMG Guidelines, 2015. Collection method: not provided. Allele origin: germline. Inheritance: Autosomal recessive inheritance. Affected: yes.

PreventionGenetics, part of Exact Sciences
Classification: Benign. Review status: criteria provided, single submitter. Criteria: ACMG Guidelines, 2015. Collection method: clinical testing. Allele origin: germline.

NM_002485.5(NBN):c.2071-30A>T

Gene: NBN (nibrin; minus strand). Cytogenetic location: 8q21.3.
Variant type: single nucleotide variant.
Coding change: c.2071-30A>T on transcript NM_002485.5 (MANE Select); 30 bases into the intron before coding-DNA position 2071, A replaced by T.
Molecular consequence: intron variant.
Genome position (GRCh38, 1-based): chr8:89,943,396, T>A on the plus strand (A>T on the coding strand, the complement: NBN is on the minus strand). VCF-style: chr8-89943396-T-A. GRCh37 (hg19) VCF-style: chr8-90955624-T-A.
Other names: c.1825-30A>T (NM_001024688.3).
Identifiers: ClinVar variation 258769 (VCV000258769.14), dbSNP rs3736639, ClinGen allele CA4802611.